The following is an entry in ClinVar:

NM_001384732.1(CPLANE1):c.6715C>T (p.Leu2239Phe)

Gene: CPLANE1 (ciliogenesis and planar polarity effector complex subunit 1; minus strand). Cytogenetic location: 5p13.2.
Variant type: single nucleotide variant.
Coding change: c.6715C>T on transcript NM_001384732.1 (MANE Select); coding-DNA position 6715, C replaced by T.
Protein change: p.Leu2239Phe; replaces leucine 2239 with phenylalanine.
Molecular consequence: missense variant.
Genome position (GRCh38, 1-based): chr5:37,169,309, G>A on the plus strand (C>T on the coding strand, the complement: CPLANE1 is on the minus strand). VCF-style: chr5-37169309-G-A. GRCh37 (hg19) VCF-style: chr5-37169411-G-A.
Other names: c.6715C>T, p.Leu2239Phe (NM_023073.4); c.6715C>T (NM_023073.3); short protein forms L2239F.
Identifiers: ClinVar variation 2120012 (VCV002120012.5), dbSNP rs1462556319, ClinGen allele CA359479953.
Genomic context (GRCh38, chr5:37,169,309, plus strand): 5'-CTCTTGGTTGTGGCAAAGGCCTGAAGGGAACTTGTGGAATACTTCCTGTATGTAAGAAAA[G>A]GGGCTGGAATTCTTGTTTAGACTTAAATTGAAGCAAAGGAAAGCCATCACCAGGACTAAA-3'
Protein context (NP_001371661.1, residues 2229-2249): QFKSKQEFQP[Leu2239Phe]FLHTGSIPQV

ClinVar aggregate classification (germline): Uncertain significance. Review status: criteria provided, multiple submitters, no conflicts (2 of 4 stars). 2 submissions from 2 submitters: Uncertain significance (2). Last evaluated 2024-12-02.

Conditions:
Joubert syndrome 17 (JBTS17). Identifiers: Orphanet 475, MedGen C3553264, MONDO:0013824, OMIM 614615.
Orofaciodigital syndrome type 6 (OFD6). Also called: OROFACIODIGITAL SYNDROME VI; OFDS VI; POLYDACTYLY, CLEFT LIP/PALATE OR LINGUAL LUMP, AND PSYCHOMOTOR RETARDATION; VARADI SYNDROME; VARADI-PAPP SYNDROME; Oral-facial-digital syndrome type 6. Identifiers: Orphanet 2754, MedGen C2745997, MONDO:0010176, OMIM 277170.

Allele frequency attached by ClinVar (database versions not stated): TOPMed below 0.00001; gnomAD exomes 0.00001.
gnomAD v4.1: 3 of 1,614,142 alleles (0.00019%); highest among the groups gnomAD compares: Admixed American, 0.0017%; no homozygotes.

Submissions (2):

Labcorp Genetics (formerly Invitae), Labcorp
Classification: Uncertain significance. Last evaluated: 2024-12-02. Review status: criteria provided, single submitter. Criteria: Invitae Variant Classification Sherloc (09022015). Collection method: clinical testing. Allele origin: germline.
Comment: This sequence change replaces leucine, which is neutral and non-polar, with phenylalanine, which is neutral and non-polar, at codon 2239 of the CPLANE1 protein (p.Leu2239Phe). This variant is not present in population databases (gnomAD no frequency). This variant has not been reported in the literature in individuals affected with CPLANE1-related conditions. ClinVar contains an entry for this variant (Variation ID: 2120012). Invitae Evidence Modeling of protein sequence and biophysical properties (such as structural, functional, and spatial information, amino acid conservation, physicochemical variation, residue mobility, and thermodynamic stability) indicates that this missense variant is not expected to disrupt CPLANE1 protein function with a negative predictive value of 95%. In summary, the available evidence is currently insufficient to determine the role of this variant in disease. Therefore, it has been classified as a Variant of Uncertain Significance.

Fulgent Genetics
Classification: Uncertain significance for Orofaciodigital syndrome type 6; Joubert syndrome 17. Last evaluated: 2024-05-16. Review status: criteria provided, single submitter. Criteria: ACMG Guidelines, 2015. Collection method: clinical testing. Allele origin: germline.